The following is an entry in ClinVar:

ClinVar aggregate classification (germline): Uncertain significance (1 of 4 stars; one submission).

Conditions:
Inborn genetic diseases. Identifiers: MedGen C0950123, MeSH D030342.

Submission:

Ambry Genetics
Classification: Uncertain significance for Inborn genetic diseases. Last evaluated: 2024-12-20. Review status: criteria provided, single submitter. Criteria: Ambry Variant Classification Scheme 2023. Collection method: clinical testing. Allele origin: germline.
Comment: The p.L216V variant (also known as c.646T>G), located in coding exon 4 of the ERCC6L2 gene, results from a T to G substitution at nucleotide position 646. The leucine at codon 216 is replaced by valine, an amino acid with highly similar properties. This amino acid position is conserved. In addition, this alteration is predicted to be deleterious by in silico analysis. Based on the available evidence, the clinical significance of this variant remains unclear.

NM_020207.7(ERCC6L2):c.646T>G (p.Leu216Val)

Gene: ERCC6L2 (ERCC excision repair 6 like 2; plus strand). Cytogenetic location: 9q22.32.
Variant type: single nucleotide variant.
Coding change: c.646T>G on transcript NM_020207.7 (MANE Select); coding-DNA position 646, T replaced by G.
Protein change: p.Leu216Val; replaces leucine 216 with valine.
Molecular consequence: missense variant. On other transcripts: non-coding transcript variant (1).
Genome position (GRCh38, 1-based): chr9:95,907,129, T>G. VCF-style: chr9-95907129-T-G. GRCh37 (hg19) VCF-style: chr9-98669411-T-G.
Other names: c.646T>G, p.Leu216Val (NM_001010895.4, NM_001375291.1, NM_001375292.1 and 2 more transcripts); short protein forms L216V.
Identifiers: ClinVar variation 3845813 (VCV003845813.1).
Genomic context (GRCh38, chr9:95,907,129, plus strand): 5'-TTGTTTTAGATGTTCTTAATAGTTGCTCCTCTTTCTGTCCTCTACAACTGGAAGGATGAA[T>G]TGGACACCTGGGGATATTTCAGAGTCACTGTTTTACATGGAAACAGAAAAGATAATGAAT-3'
Protein context (NP_064592.3, residues 206-226): LSVLYNWKDE[Leu216Val]DTWGYFRVTV